The following is an entry in ClinVar:

ClinVar aggregate classification (germline): Likely pathogenic (1 of 4 stars; one submission).

Conditions:
X-linked Alport syndrome (ATS1). Also called: NEPHROPATHY AND DEAFNESS, X-LINKED; COL4A5-Related Nephropathy. Identifiers: Orphanet 63, Orphanet 88917, MedGen C4746986, MONDO:0010520, OMIM 301050.

Submission:

Laboratorio de Genetica e Diagnostico Molecular, Hospital Israelita Albert Einstein
Classification: Likely pathogenic for X-linked Alport syndrome. Last evaluated: 2023-02-17. Review status: criteria provided, single submitter. Criteria: ACMG Guidelines, 2015. Collection method: clinical testing. Allele origin: germline. Affected: yes.
Comment: ACMG classification criteria: PVS1 very strong, PM2 moderate

NM_033380.3(COL4A5):c.1976del (p.Ile659fs)

Gene: COL4A5 (collagen type IV alpha 5 chain; plus strand). Cytogenetic location: Xq22.3.
Variant type: Deletion.
Coding change: c.1976del on transcript NM_033380.3 (MANE Select); coding-DNA position 1976, one base deleted (T; older notation c.1976delT).
Protein change: p.Ile659fs; shifts the reading frame from isoleucine 659.
Molecular consequence: frameshift variant.
Genome position (GRCh38, 1-based): chrX:108,601,420, T deleted. VCF-style (leftmost placement, unchanged base first): chrX-108601419-AT-A. GRCh37 (hg19) VCF-style: chrX-107844649-AT-A.
Other names: c.1976del, p.Ile659fs (NM_000495.5); short protein forms I659fs.
Identifiers: ClinVar variation 3901916 (VCV003901916.1).